The following is an entry in ClinVar:

ClinVar aggregate classification (germline): Pathogenic. Review status: reviewed by expert panel (3 of 4 stars). 26 submissions from 26 submitters: Pathogenic (1). 25 of the submissions do not count toward it. Last evaluated 2016-04-22.

Conditions:
BRCA1-related disorder. Also called: BRCA1-related condition.
Pancreatic cancer, susceptibility to, 4. Identifiers: Orphanet 1333, MedGen C3280442, MONDO:0013685, OMIM 614320.
Familial cancer of breast. Also called: Hereditary breast cancer; hereditary breast carcinoma; BREAST CANCER, FAMILIAL. Identifiers: Orphanet 227535, MedGen C0346153, MONDO:0016419, OMIM 114480. Disease mechanism: loss of function.
Breast-ovarian cancer, familial, susceptibility to, 1 (BROVCA1). Also called: BRCA1 Hereditary Breast and Ovarian Cancer; OVARIAN CANCER, SUSCEPTIBILITY TO. Identifiers: Orphanet 145, MedGen C2676676, MONDO:0011450, OMIM 604370. Disease mechanism: loss of function.
Fanconi anemia, complementation group S (FANCS). Identifiers: MedGen C4554406, MONDO:0054748, OMIM 617883.
Hereditary cancer-predisposing syndrome. Also called: Neoplastic Syndromes, Hereditary; Hereditary neoplastic syndrome; Hereditary Cancer Syndrome; Tumor predisposition. Identifiers: Orphanet 140162, MedGen C0027672, MeSH D009386, MONDO:0015356.
Hereditary breast ovarian cancer syndrome. Also called: Hereditary breast and ovarian cancer syndrome (HBOC); Breast and ovarian cancer; BRCA1- and BRCA2-Associated Hereditary Breast and Ovarian Cancer; Hereditary breast and ovarian cancer syndrome; Hereditary breast and ovarian cancer; Hereditary breast and/or ovarian cancer syndrome. Identifiers: Orphanet 145, MedGen C0677776, MeSH D061325, MONDO:0003582. Disease mechanism: loss of function.

Submissions 1 to 10 of 26:

Evidence-based Network for the Interpretation of Germline Mutant Alleles (ENIGMA)
Classification: Pathogenic for Breast-ovarian cancer, familial, susceptibility to, 1. Last evaluated: 2016-04-22. Review status: reviewed by expert panel. Criteria: ENIGMA BRCA1/2 Classification Criteria (2015). Collection method: curation. Allele origin: germline.
Comment: Variant allele predicted to encode a truncated non-functional protein.

OLLIN Analises Genomicas, OLLIN
Classification: Pathogenic for Breast-ovarian cancer, familial, susceptibility to, 1. Last evaluated: 2026-08-06. Review status: criteria provided, single submitter. Criteria: ACMG Guidelines 2015 PMID 25741868. Collection method: clinical testing. Allele origin: germline. Inheritance: Autosomal recessive inheritance. Not counted in ClinVar's aggregate classification.
Comment: This frameshift variant, located in exon 7 (of 23), is absent from gnomAD and has not been identified in the literature. However, it has been reported in ClinVar (accession VCV000037608.74). This variant causes a frameshift and introduces a premature stop codon, which is predicted to result in either a truncated protein or degradation of the mRNA via nonsense-mediated decay (NMD). According to the currently available evidence, this variant has been classified as pathogenic (PVS1, PS4, PM2_P).

PreventionGenetics, part of Exact Sciences
Classification: Pathogenic for BRCA1-related condition. Last evaluated: 2026-04-14. Review status: criteria provided, single submitter. Criteria: ACMG Guidelines, 2015. Collection method: clinical testing. Allele origin: germline. Not counted in ClinVar's aggregate classification.
Comment: The BRCA1 c.470_471delCT variant is predicted to result in premature protein termination (p.Ser157*). This variant, also referred to in the literature as c.589delCT, has been reported in several individuals and families with hereditary breast and/or ovarian cancer (de la Hoya et al. 2001. PubMed ID: 11149413; de la Hoya et al. 2002. PubMed ID: 11802208; Kwong et al. 2012. PubMed ID: 22970155; Peixoto et al. 2014. PubMed ID: 24916970; Zhang et al. 2024. PubMed ID: 38167124). This variant has not been reported in a large population database (gnomAD), indicating this variant is rare, and is interpreted as pathogenic in ClinVar (Variation ID: 37608). Protein truncating variants in BRCA1 are expected to be pathogenic. This variant is interpreted as pathogenic.

Labcorp Genetics (formerly Invitae), Labcorp
Classification: Pathogenic for Hereditary breast ovarian cancer syndrome. Last evaluated: 2025-11-26. Review status: criteria provided, single submitter. Criteria: Invitae Variant Classification Sherloc (09022015). Collection method: clinical testing. Allele origin: germline. Not counted in ClinVar's aggregate classification.
Comment: This sequence change creates a premature translational stop signal (p.Ser157*) in the BRCA1 gene. It is expected to result in an absent or disrupted protein product. Loss-of-function variants in BRCA1 are known to be pathogenic (PMID: 20104584). This variant is not present in population databases (gnomAD no frequency). This premature translational stop signal has been observed in individual(s) with breast and ovarian cancer (PMID: 11149413, 22970155, 23683081, 24916970). This variant is also known as 589delCT. ClinVar contains an entry for this variant (Variation ID: 37608). For these reasons, this variant has been classified as Pathogenic.

Laboratorio de I+D, Fundación Centro Médico de Asturias
Classification: Pathogenic for Hereditary breast ovarian cancer syndrome. Last evaluated: 2025-07-09. Review status: criteria provided, single submitter. Criteria: ACMG Guidelines, 2015. Collection method: clinical testing. Allele origin: germline. Affected: yes. Not counted in ClinVar's aggregate classification.
Comment: PVS1+PM2_Supporting+PP1

Ambry Genetics
Classification: Pathogenic for Hereditary cancer-predisposing syndrome. Last evaluated: 2025-05-14. Review status: criteria provided, single submitter. Criteria: Ambry Variant Classification Scheme 2023. Collection method: clinical testing. Allele origin: germline. Not counted in ClinVar's aggregate classification.
Comment: The c.470_471delCT pathogenic mutation, located in coding exon 6 of the BRCA1 gene, results from a deletion of two nucleotides at nucleotide positions 470 to 471, causing a translational frameshift with a predicted alternate stop codon (p.S157*). This alteration has been identified as a recurrent mutation in both Spanish and Southern Chinese breast and/or ovarian cancer cohorts (de la Hoya M et al. Int. J. Cancer 2001 Jan;91:137-40; D&iacute;ez O et al. Hum. Mutat. 2003 Oct;22:301-12; Kwong A et al. PLoS ONE 2012 Sep;7:e43994). This mutation has also been reported in multiple international HBOC cohorts (Pinto P et al. Breast Cancer Res. Treat. 2016 Sep;159:245-56; Fernandes GC et al. Oncotarget 2016 Oct;7(49):80465-80481; Bhaskaran SP et al. Int. J. Cancer 2019 Jan; Arai M et al. J. Hum. Genet. 2018 Apr;63:447-457; Palmero EI et al. Sci Rep. 2018 Jun;8:9188; Wen WX et al. J. Med. Genet. 2018 Feb;55:97-103; Li JY et al. Int. J. Cancer 2019 01;144:281-289; Rebbeck TR et al. Hum. Mutat. 2018 05;39:593-620). Of note, this alteration is also designated as 589_590delCT in published literature. This variant is considered to be rare based on population cohorts in the Genome Aggregation Database (gnomAD). In addition to the clinical data presented in the literature, this alteration is expected to result in loss of function by premature protein truncation or nonsense-mediated mRNA decay. As such, this alteration is interpreted as a disease-causing mutation.

Color Diagnostics, LLC DBA Color Health
Classification: Pathogenic for Hereditary cancer-predisposing syndrome. Last evaluated: 2024-07-09. Review status: criteria provided, single submitter. Criteria: ACMG Guidelines, 2015. Collection method: clinical testing. Allele origin: germline. Not counted in ClinVar's aggregate classification.
Comment: This variant deletes 2 nucleotides in exon 7 of the BRCA1 gene, creating a frameshift and premature translation stop signal. This variant is also known as 589delCT and 589_590delCT in the literature. This variant is expected to result in an absent or non-functional protein product. To our knowledge, functional studies have not been reported for this variant. This variant has been detected in over 10 individuals affected with breast and ovarian cancer (PMID: 11802208, 12955716, 16998791, 20617377, 22970155, 27553368, 27741520, 29752822) and in suspected hereditary breast and ovarian cancer families (PMID: 23683081, 24249303, 24916970). This variant has not been identified in the general population by the Genome Aggregation Database (gnomAD). Loss of BRCA1 function is a known mechanism of disease. Based on the available evidence, this variant is classified as Pathogenic.

Quest Diagnostics Nichols Institute San Juan Capistrano
Classification: Pathogenic. Last evaluated: 2022-08-19. Review status: criteria provided, single submitter. Criteria: Quest Diagnostics criteria. Collection method: clinical testing. Allele origin: unknown. Not counted in ClinVar's aggregate classification.
Comment: This variant has not been reported in large, multi-ethnic general populations. In the published literature, the variant has been reported in individuals/families with suspected hereditary breast/ovarian cancer syndrome in the published literature (PMIDs: 30702160 (2019), 29907814 (2018), 29752822 (2018), 29446198 (2018), 29176636 (2018), 24916970 (2015), 23683081 (2013), 22970155 (2012), 22762150 (2012), 18627636 (2008), 11149413 (2001), and 10340909 (1999)). Based on the available information, this variant is classified as pathogenic.

Baylor Genetics
Classification: Pathogenic for Breast-ovarian cancer, familial, susceptibility to, 1. Last evaluated: 2022-05-17. Review status: criteria provided, single submitter. Criteria: ACMG Guidelines, 2015. Collection method: clinical testing. Allele origin: unknown. Not counted in ClinVar's aggregate classification.

Fulgent Genetics
Classification: Pathogenic for Familial cancer of breast; Breast-ovarian cancer, familial, susceptibility to, 1; Pancreatic cancer, susceptibility to, 4; Fanconi anemia, complementation group S. Last evaluated: 2022-05-13. Review status: criteria provided, single submitter. Criteria: ACMG Guidelines, 2015. Collection method: clinical testing. Allele origin: unknown. Not counted in ClinVar's aggregate classification.

NM_007294.4(BRCA1):c.470_471del (p.Leu156_Ser157insTer)

Gene: BRCA1 (BRCA1 DNA repair associated; minus strand). Cytogenetic location: 17q21.31.
Variant type: Microsatellite.
Coding change: c.470_471del on transcript NM_007294.4 (MANE Select); coding-DNA positions 470 to 471, 2 bases deleted (CT; older notation c.470_471delCT).
Protein change: p.Leu156_Ser157insTer.
Molecular consequence: nonsense. On other transcripts: frameshift variant (364), non-coding transcript variant (1).
Genome position (GRCh38, 1-based): chr17:43,099,851-43,099,852, AG deleted on the plus strand (CT on the coding strand, the reverse complement: BRCA1 is on the minus strand); deleting any 2 consecutive bases within chr17:43,099,851-43,099,856 gives the same sequence; the c. name uses the placement nearest the transcript's 3' end. VCF-style (leftmost placement, unchanged base first): chr17-43099850-TAG-T. GRCh37 (hg19) VCF-style: chr17-41251867-TAG-T.
Other names: 589_590delCT; 589delCT; c.470_471delCT (NM_007294.3); c.253_254CT[2], p.Ser86Terfs (NM_001407571.1, NM_001407853.1, NM_001407894.1 and 18 more transcripts); c.466_467CT[2], p.Ser157Terfs (NM_001407581.1, NM_001407582.1, NM_001407583.1 and 95 more transcripts); c.463_464CT[2], p.Ser156Terfs (NM_001407587.1, NM_001407590.1, NM_001407591.1 and 65 more transcripts); c.457_458CT[2], p.Ser154Terfs (NM_001407646.1, NM_001407647.1, NM_001408408.1); c.388_389CT[2], p.Ser131Terfs (NM_001407653.1, NM_001407654.1, NM_001407655.1 and 12 more transcripts); and 9 more.
Identifiers: ClinVar variation 37608 (VCV000037608.77), dbSNP rs80357887, ClinGen allele CA002985.